The following is an entry in ClinVar:

ClinVar aggregate classification (germline): Uncertain significance (1 of 4 stars; one submission).

Conditions:
Immunodeficiency 39 (IMD39). Identifiers: Orphanet 574918, MedGen C4225358, MONDO:0014597, OMIM 616345.

Allele frequency attached by ClinVar (database versions not stated): gnomAD exomes below 0.00001; ExAC 0.00001; TOPMed 0.00001.
gnomAD v4.1: 4 of 1,613,084 alleles (0.00025%); highest among the groups gnomAD compares: South Asian, 0.0011%; no homozygotes.

Submission:

Labcorp Genetics (formerly Invitae), Labcorp
Classification: Uncertain significance for Immunodeficiency 39. Last evaluated: 2022-02-24. Review status: criteria provided, single submitter. Criteria: Invitae Variant Classification Sherloc (09022015). Collection method: clinical testing. Allele origin: germline.
Comment: Algorithms developed to predict the effect of missense changes on protein structure and function are either unavailable or do not agree on the potential impact of this missense change (SIFT: "Tolerated"; PolyPhen-2: "Probably Damaging"; Align-GVGD: "Class C0"). This variant has not been reported in the literature in individuals affected with IRF7-related conditions. This variant is present in population databases (rs769280074, gnomAD 0.003%). In summary, the available evidence is currently insufficient to determine the role of this variant in disease. Therefore, it has been classified as a Variant of Uncertain Significance. This sequence change replaces glycine, which is neutral and non-polar, with arginine, which is basic and polar, at codon 225 of the IRF7 protein (p.Gly225Arg).

NM_001572.5(IRF7):c.634G>A (p.Gly212Arg)

Gene: IRF7 (interferon regulatory factor 7; minus strand). Cytogenetic location: 11p15.5.
Variant type: single nucleotide variant.
Coding change: c.634G>A on transcript NM_001572.5 (MANE Select); coding-DNA position 634, G replaced by A.
Protein change: p.Gly212Arg; replaces glycine 212 with arginine.
Molecular consequence: missense variant.
Genome position (GRCh38, 1-based): chr11:614,219, C>T on the plus strand (G>A on the coding strand, the complement: IRF7 is on the minus strand). VCF-style: chr11-614219-C-T. GRCh37 (hg19) VCF-style: chr11-614219-C-T.
Other names: c.634G>A, p.Gly212Arg (NM_004029.4); c.673G>A, p.Gly225Arg (NM_004031.4); short protein forms G225R, G212R.
Identifiers: ClinVar variation 1480929 (VCV001480929.6), dbSNP rs769280074, ClinGen allele CA5783884.